The following is an entry in ClinVar:

NM_001002755.4(NFU1):c.239_240del (p.Val80fs)

Gene: NFU1 (NFU1 iron-sulfur cluster scaffold; minus strand). Cytogenetic location: 2p13.3.
Variant type: Deletion.
Coding change: c.239_240del on transcript NM_001002755.4 (MANE Select); coding-DNA positions 239 to 240, 2 bases deleted (TT; older notation c.239_240delTT).
Protein change: p.Val80fs; shifts the reading frame from valine 80.
Molecular consequence: frameshift variant. On other transcripts: intron variant (1).
Genome position (GRCh38, 1-based): chr2:69,423,644-69,423,645, AA deleted on the plus strand (TT on the coding strand, the reverse complement: NFU1 is on the minus strand). VCF-style (leftmost placement, unchanged base first): chr2-69423643-GAA-G. GRCh37 (hg19) VCF-style: chr2-69650775-GAA-G.
Other names: c.167_168del, p.Val56fs (NM_001374284.1, NM_015700.4); c.-121-4041_-121-4040del (NM_001002756.2); short protein forms V56fs, V80fs.
Identifiers: ClinVar variation 4537853 (VCV004537853.1).

ClinVar aggregate classification (germline): Likely pathogenic (1 of 4 stars; one submission).

Submission:

GeneDx
Classification: Likely pathogenic. Last evaluated: 2025-06-11. Review status: criteria provided, single submitter. Criteria: GeneDx Variant Classification Process June 2021. Collection method: clinical testing. Allele origin: germline. Affected: yes.
Comment: Frameshift variant predicted to result in protein truncation or nonsense mediated decay in a gene for which loss-of-function is a known mechanism of disease; Not observed at significant frequency in large population cohorts (gnomAD); Has not been previously published as pathogenic or benign to our knowledge